The following is an entry in ClinVar:

ClinVar aggregate classification (germline): Conflicting classifications of pathogenicity. Review status: criteria provided, conflicting classifications (1 of 4 stars). 4 submissions from 4 submitters: Uncertain significance (1); Likely benign (3). Last evaluated 2026-04-01.

Conditions:
Inborn genetic diseases. Identifiers: MedGen C0950123, MeSH D030342.
Cornelia de Lange syndrome 3 (CDLS3). Also called: SMC3-Related Cornelia de Lange Syndrome; CORNELIA DE LANGE SYNDROME 3 WITH OR WITHOUT MIDLINE BRAIN DEFECTS. Identifiers: Orphanet 199, MedGen C1853099, MONDO:0012555, OMIM 610759.

Allele frequency attached by ClinVar (database versions not stated): TOPMed 0.00001.
gnomAD v4.1: 26 of 1,610,888 alleles (0.0016%); highest among the groups gnomAD compares: Middle Eastern, 0.016%; no homozygotes.

Submissions (4):

CeGaT Center for Human Genetics Tuebingen
Classification: Likely benign. Last evaluated: 2026-04-01. Review status: criteria provided, single submitter. Criteria: CeGaT Center For Human Genetics Tuebingen Variant Classification Criteria Version 2. Collection method: clinical testing. Allele origin: germline. Affected: yes. Observed: 1 variant allele.
Comment: SMC3: BP4, BP7

Labcorp Genetics (formerly Invitae), Labcorp
Classification: Likely benign for Cornelia de Lange syndrome 3. Last evaluated: 2025-05-26. Review status: criteria provided, single submitter. Criteria: Invitae Variant Classification Sherloc (09022015). Collection method: clinical testing. Allele origin: germline.

Ambry Genetics
Classification: Likely benign for Inborn genetic diseases. Last evaluated: 2017-05-26. Review status: criteria provided, single submitter. Criteria: Ambry Variant Classification Scheme 2023. Collection method: clinical testing. Allele origin: germline.

Eurofins Ntd Llc (ga)
Classification: Uncertain significance. Last evaluated: 2016-06-07. Review status: criteria provided, single submitter. Criteria: EGL Classification Definitions 2015. Collection method: clinical testing. Allele origin: germline. Observed: 1 variant allele, 1 heterozygote.

NM_005445.4(SMC3):c.255A>T (p.Ser85=)

Gene: SMC3 (structural maintenance of chromosomes 3; plus strand). Cytogenetic location: 10q25.2.
Variant type: single nucleotide variant.
Coding change: c.255A>T on transcript NM_005445.4 (MANE Select); coding-DNA position 255, A replaced by T.
Protein change: p.Ser85=; no amino-acid change (serine 85 retained).
Molecular consequence: synonymous variant.
Genome position (GRCh38, 1-based): chr10:110,577,477, A>T. VCF-style: chr10-110577477-A-T. GRCh37 (hg19) VCF-style: chr10-112337235-A-T.
Identifiers: ClinVar variation 287965 (VCV000287965.13), dbSNP rs146433240, ClinGen allele CA5687663.